The following is an entry in ClinVar:

ClinVar aggregate classification (germline): Uncertain significance (1 of 4 stars; one submission).

Submission:

Labcorp Genetics (formerly Invitae), Labcorp
Classification: Uncertain significance. Last evaluated: 2025-11-19. Review status: criteria provided, single submitter. Criteria: Invitae Variant Classification Sherloc (09022015). Collection method: clinical testing. Allele origin: germline.
Comment: This sequence change replaces alanine, which is neutral and non-polar, with glycine, which is neutral and non-polar, at codon 68 of the SLC27A5 protein (p.Ala68Gly). This variant is not present in population databases (gnomAD no frequency). This variant has not been reported in the literature in individuals affected with SLC27A5-related conditions. An algorithm developed to predict the effect of missense changes on protein structure and function (PolyPhen-2) suggests that this variant is likely to be tolerated. In summary, the available evidence is currently insufficient to determine the role of this variant in disease. Therefore, it has been classified as a Variant of Uncertain Significance.

NM_012254.3(SLC27A5):c.203C>G (p.Ala68Gly)

Gene: SLC27A5 (solute carrier family 27 member 5; minus strand). Cytogenetic location: 19q13.43.
Variant type: single nucleotide variant.
Coding change: c.203C>G on transcript NM_012254.3 (MANE Select); coding-DNA position 203, C replaced by G.
Protein change: p.Ala68Gly; replaces alanine 68 with glycine.
Molecular consequence: missense variant.
Genome position (GRCh38, 1-based): chr19:58,511,753, G>C on the plus strand (C>G on the coding strand, the complement: SLC27A5 is on the minus strand). VCF-style: chr19-58511753-G-C. GRCh37 (hg19) VCF-style: chr19-59023120-G-C.
Other names: c.203C>G, p.Ala68Gly (NM_001321196.2); short protein forms A68G.
Identifiers: ClinVar variation 4771115 (VCV004771115.1).